The following is an entry in ClinVar:

ClinVar aggregate classification (germline): Uncertain significance. Review status: criteria provided, multiple submitters, no conflicts (2 of 4 stars). 2 submissions from 2 submitters: Uncertain significance (2). Last evaluated 2026-02-16.

Conditions:
POLD1-related polyposis and colorectal cancer syndrome (CRCS10). Also called: Colorectal cancer, susceptibility to, 10; Colorectal cancer 10; COLORECTAL CANCER, SUSCEPTIBILITY TO, ON CHROMOSOME 19q. Identifiers: Orphanet 220460, MedGen C2675481, MONDO:0012953, OMIM 612591.
Hereditary cancer-predisposing syndrome. Also called: Hereditary Cancer Syndrome; Hereditary neoplastic syndrome; Neoplastic Syndromes, Hereditary; Tumor predisposition. Identifiers: Orphanet 140162, MedGen C0027672, MeSH D009386, MONDO:0015356.

Submissions (2):

Ambry Genetics
Classification: Uncertain significance for Hereditary cancer-predisposing syndrome. Last evaluated: 2026-02-16. Review status: criteria provided, single submitter. Criteria: Ambry Variant Classification Scheme 2023. Collection method: clinical testing. Allele origin: germline.
Comment: The c.2954-3C>A intronic variant results from a C to A substitution 3 nucleotides upstream from coding exon 23 in the POLD1 gene. This nucleotide position is well conserved in available vertebrate species. In silico splice site analysis predicts that this alteration will not have any significant effect on splicing. Based on the available evidence, the clinical significance of this variant remains unclear.

Labcorp Genetics (formerly Invitae), Labcorp
Classification: Uncertain significance for POLD1-related polyposis and colorectal cancer syndrome. Last evaluated: 2019-08-29. Review status: criteria provided, single submitter. Criteria: Invitae Variant Classification Sherloc (09022015). Collection method: clinical testing. Allele origin: germline.
Comment: In summary, the available evidence is currently insufficient to determine the role of this variant in disease. Therefore, it has been classified as a Variant of Uncertain Significance. Nucleotide substitutions within the consensus splice site are a relatively common cause of aberrant splicing (PMID: 17576681, 9536098). Algorithms developed to predict the effect of sequence changes on RNA splicing suggest that this variant may disrupt the consensus splice site, but this prediction has not been confirmed by published transcriptional studies. This variant has not been reported in the literature in individuals with POLD1-related conditions. The frequency data for this variant in the population databases is considered unreliable, as metrics indicate insufficient coverage at this position in the ExAC database. This sequence change falls in intron 23 of the POLD1 gene. It does not directly change the encoded amino acid sequence of the POLD1 protein, but it affects a nucleotide within the consensus splice site of the intron.

Literature cited by the submitters: PubMed 17576681 (cited by Labcorp Genetics (formerly Invitae), Labcorp); PubMed 9536098 (cited by Labcorp Genetics (formerly Invitae), Labcorp).

NM_002691.4(POLD1):c.2954-3C>A

Gene: POLD1 (DNA polymerase delta 1, catalytic subunit; plus strand). Cytogenetic location: 19q13.33.
Variant type: single nucleotide variant.
Coding change: c.2954-3C>A on transcript NM_002691.4 (MANE Select); 3 bases into the intron before coding-DNA position 2954, C replaced by A.
Molecular consequence: intron variant.
Genome position (GRCh38, 1-based): chr19:50,416,607, C>A. VCF-style: chr19-50416607-C-A. GRCh37 (hg19) VCF-style: chr19-50919864-C-A.
Other names: c.2954-3C>A (NM_001256849.1); c.3032-3C>A (NM_001308632.1).
Identifiers: ClinVar variation 822363 (VCV000822363.15), dbSNP rs1601247220, ClinGen allele CA915951894.
Genomic context (GRCh38, chr19:50,416,607, plus strand): 5'-ACTGGGGGCACCCTGGGGGGGCAGAGGAGATCACCGGCCCACCACCTGCCTCCTCTCCTG[C>A]AGGGGGGGACCACACGCGCTGCAAGACGGTGCTCACGGGCAAGGTGGGCGGCCTCCTGGC-3'